The following is an entry in ClinVar:

ClinVar aggregate classification (germline): Uncertain significance (1 of 4 stars; one submission).

Submission:

Labcorp Genetics (formerly Invitae), Labcorp
Classification: Uncertain significance. Last evaluated: 2024-11-24. Review status: criteria provided, single submitter. Criteria: Invitae Variant Classification Sherloc (09022015). Collection method: clinical testing. Allele origin: germline.
Comment: This sequence change creates a premature translational stop signal (p.Val180Cysfs*119) in the MYLK3 gene. It is expected to result in an absent or disrupted protein product. However, the current clinical and genetic evidence is not sufficient to establish whether loss-of-function variants in MYLK3 cause disease. This variant is not present in population databases (gnomAD no frequency). This variant has not been reported in the literature in individuals affected with MYLK3-related conditions. ClinVar contains an entry for this variant (Variation ID: 1465666). In summary, the available evidence is currently insufficient to determine the role of this variant in disease. Therefore, it has been classified as a Variant of Uncertain Significance.

NM_182493.3(MYLK3):c.538del (p.Val180fs)

Gene: MYLK3 (myosin light chain kinase 3; minus strand). Cytogenetic location: 16q11.2.
Variant type: Deletion.
Coding change: c.538del on transcript NM_182493.3 (MANE Select); coding-DNA position 538, one base deleted (G; older notation c.538delG).
Protein change: p.Val180fs; shifts the reading frame from valine 180.
Molecular consequence: frameshift variant. On other transcripts: 5 prime UTR variant (1).
Genome position (GRCh38, 1-based): chr16:46,740,087, C deleted on the plus strand (G on the coding strand, the reverse complement: MYLK3 is on the minus strand); the first of 4 consecutive C bases (chr16:46,740,087-46,740,090); deleting any one gives the same sequence. VCF-style (leftmost placement, unchanged base first): chr16-46740086-AC-A. GRCh37 (hg19) VCF-style: chr16-46773998-AC-A.
Other names: c.-53del (NM_001308301.1); short protein forms V180fs.
Identifiers: ClinVar variation 1465666 (VCV001465666.6), dbSNP rs2143016144, ClinGen allele CA2573152347.